The following is an entry in ClinVar:

NM_004006.3(DMD):c.3786+5G>T

Gene: DMD (dystrophin; minus strand). Cytogenetic location: Xp21.1.
Variant type: single nucleotide variant.
Coding change: c.3786+5G>T on transcript NM_004006.3 (MANE Select); 5 bases into the intron after coding-DNA position 3786, G replaced by T.
Molecular consequence: intron variant.
Genome position (GRCh38, 1-based): chrX:32,448,451, C>A on the plus strand (G>T on the coding strand, the complement: DMD is on the minus strand). VCF-style: chrX-32448451-C-A. GRCh37 (hg19) VCF-style: chrX-32466568-C-A.
Other names: c.3762+5G>T (NM_000109.4); c.3774+5G>T (NM_004009.3); c.3417+5G>T (NM_004010.3).
Identifiers: ClinVar variation 4082648 (VCV004082648.1).

ClinVar aggregate classification (germline): Uncertain significance (1 of 4 stars; one submission).

Submission:

GeneDx
Classification: Uncertain significance. Last evaluated: 2025-03-04. Review status: criteria provided, single submitter. Criteria: GeneDx Variant Classification Process June 2021. Collection method: clinical testing. Allele origin: germline. Affected: yes.
Comment: Not observed at significant frequency in large population cohorts (gnomAD); In silico analysis supports a deleterious effect on splicing; Has not been previously published as pathogenic or benign to our knowledge